The following is an entry in ClinVar:

ClinVar aggregate classification (germline): Likely pathogenic (1 of 4 stars; one submission).

Conditions:
Severe X-linked myotubular myopathy (CNMX). Also called: MYOTUBULAR MYOPATHY 1; X-linked centronuclear myopathy; Myotubular myopathy, X-linked. Identifiers: Orphanet 596, MedGen C0410203, MONDO:0010683, OMIM 310400.

Submission:

Myriad Genetics, Inc.
Classification: Likely pathogenic for Severe X-linked myotubular myopathy. Last evaluated: 2019-06-21. Review status: criteria provided, single submitter. Criteria: Myriad Women's Health Autosomal Recessive and X-Linked Classification Criteria (2019). Collection method: clinical testing. Allele origin: unknown.
Comment: NM_000252.2(MTM1):c.1132G>T(G378*) is expected to be pathogenic in the context of X-linked myotubular myopathy. This variant is predicted to lead to an abnormal or absent protein product due to the creation of a premature termination codon in MTM1, a gene where loss-of-function variants are known to be pathogenic. Please note: this variant was assessed in the context of healthy population screening.

NM_000252.3(MTM1):c.1132G>T (p.Gly378Ter)

Gene: MTM1 (myotubularin 1; plus strand). Cytogenetic location: Xq28.
Variant type: single nucleotide variant.
Coding change: c.1132G>T on transcript NM_000252.3 (MANE Select); coding-DNA position 1132, G replaced by T.
Protein change: p.Gly378Ter; replaces glycine 378 with a stop codon.
Molecular consequence: nonsense.
Genome position (GRCh38, 1-based): chrX:150,657,899, G>T. VCF-style: chrX-150657899-G-T. GRCh37 (hg19) VCF-style: chrX-149826372-G-T.
Other names: c.1132G>T, p.Gly378Ter (NM_001376906.1, NM_001376908.1); c.1021G>T, p.Gly341Ter (NM_001376907.1); short protein forms G341*, G378*.
Identifiers: ClinVar variation 984256 (VCV000984256.3), dbSNP rs587783755, ClinGen allele CA415258404.
Genomic context (GRCh38, chrX:150,657,899, plus strand): 5'-ATTCAAGTAGCAGACAAAGTTTCTTCAGGGAAGAGTTCAGTGCTTGTGCATTGCAGTGAC[G>T]GATGGGACAGGACTGCTCAGCTGACATCCTTGGCCATGCTGATGTTGGATAGCTTCTATA-3'